The following is an entry in ClinVar:

NM_000156.6(GAMT):c.304T>C (p.Trp102Arg)

Gene: GAMT (guanidinoacetate N-methyltransferase; minus strand). Cytogenetic location: 19p13.3.
Variant type: single nucleotide variant.
Coding change: c.304T>C on transcript NM_000156.6 (MANE Select); coding-DNA position 304, T replaced by C.
Protein change: p.Trp102Arg; replaces tryptophan 102 with arginine.
Molecular consequence: missense variant.
Genome position (GRCh38, 1-based): chr19:1,399,816, A>G on the plus strand (T>C on the coding strand, the complement: GAMT is on the minus strand). VCF-style: chr19-1399816-A-G. GRCh37 (hg19) VCF-style: chr19-1399815-A-G.
Other names: c.304T>C, p.Trp102Arg (NM_138924.3); short protein forms W102R.
Identifiers: ClinVar variation 1982771 (VCV001982771.3), dbSNP rs1380273839, ClinGen allele CA402996214.

ClinVar aggregate classification (germline): Uncertain significance (1 of 4 stars; one submission).

Conditions:
Cerebral creatine deficiency syndrome. Also called: Creatine deficiency syndromes. Identifiers: Orphanet 79172, MedGen C5244016, MONDO:0000456.

Allele frequency attached by ClinVar (database versions not stated): gnomAD exomes below 0.00001.

Submission:

Labcorp Genetics (formerly Invitae), Labcorp
Classification: Uncertain significance for Cerebral creatine deficiency syndrome. Last evaluated: 2025-01-06. Review status: criteria provided, single submitter. Criteria: Invitae Variant Classification Sherloc (09022015). Collection method: clinical testing. Allele origin: germline.
Comment: This sequence change replaces tryptophan, which is neutral and slightly polar, with arginine, which is basic and polar, at codon 102 of the GAMT protein (p.Trp102Arg). The frequency data for this variant in the population databases is considered unreliable, as metrics indicate poor data quality at this position in the gnomAD database. This variant has not been reported in the literature in individuals affected with GAMT-related conditions. ClinVar contains an entry for this variant (Variation ID: 1982771). Invitae Evidence Modeling of protein sequence and biophysical properties (such as structural, functional, and spatial information, amino acid conservation, physicochemical variation, residue mobility, and thermodynamic stability) has been performed for this missense variant. However, the output from this modeling did not meet the statistical confidence thresholds required to predict the impact of this variant on GAMT protein function. In summary, the available evidence is currently insufficient to determine the role of this variant in disease. Therefore, it has been classified as a Variant of Uncertain Significance.